The following is an entry in ClinVar:

ClinVar aggregate classification (germline): Uncertain significance (1 of 4 stars; one submission).

Conditions:
Immunodeficiency, common variable, 2 (CVID2). Also called: ANTIBODY DEFICIENCY DUE TO TACI DEFECT; HYPOGAMMAGLOBULINEMIA DUE TO TACI DEFICIENCY. Identifiers: Orphanet 1572, MedGen C3150354, MONDO:0009413, OMIM 240500.

Allele frequency attached by ClinVar (database versions not stated): gnomAD exomes below 0.00001.
gnomAD v4.1: 2 of 1,612,692 alleles (0.00012%); highest among the groups gnomAD compares: Admixed American, 0.0033%; no homozygotes.

Submission:

Labcorp Genetics (formerly Invitae), Labcorp
Classification: Uncertain significance for Immunodeficiency, common variable, 2. Last evaluated: 2022-02-26. Review status: criteria provided, single submitter. Criteria: Invitae Variant Classification Sherloc (09022015). Collection method: clinical testing. Allele origin: germline.
Comment: This sequence change replaces glycine, which is neutral and non-polar, with arginine, which is basic and polar, at codon 260 of the TNFRSF13B protein (p.Gly260Arg). This variant is present in population databases (no rsID available, gnomAD 0.003%). This variant has not been reported in the literature in individuals affected with TNFRSF13B-related conditions. Algorithms developed to predict the effect of missense changes on protein structure and function output the following: SIFT: "Deleterious"; PolyPhen-2: "Possibly Damaging"; Align-GVGD: "Class C0". The arginine amino acid residue is found in multiple mammalian species, which suggests that this missense change does not adversely affect protein function. In summary, the available evidence is currently insufficient to determine the role of this variant in disease. Therefore, it has been classified as a Variant of Uncertain Significance.

NM_012452.3(TNFRSF13B):c.778G>A (p.Gly260Arg)

Gene: TNFRSF13B (TNF receptor superfamily member 13B; minus strand). Cytogenetic location: 17p11.2.
Variant type: single nucleotide variant.
Coding change: c.778G>A on transcript NM_012452.3 (MANE Select); coding-DNA position 778, G replaced by A.
Protein change: p.Gly260Arg; replaces glycine 260 with arginine.
Molecular consequence: missense variant.
Genome position (GRCh38, 1-based): chr17:16,939,651, C>T on the plus strand (G>A on the coding strand, the complement: TNFRSF13B is on the minus strand). VCF-style: chr17-16939651-C-T. GRCh37 (hg19) VCF-style: chr17-16842965-C-T.
Other names: short protein forms G260R.
Identifiers: ClinVar variation 1957894 (VCV001957894.4), dbSNP rs1472488426, ClinGen allele CA398519042.